The following is an entry in ClinVar:

ClinVar aggregate classification (germline): Uncertain significance (1 of 4 stars; one submission).

Submission:

Ambry Genetics
Classification: Uncertain significance. Last evaluated: 2025-05-21. Review status: criteria provided, single submitter. Criteria: Ambry Variant Classification Scheme 2023. Collection method: clinical testing. Allele origin: germline.
Comment: The p.S271L variant (also known as c.812C>T), located in coding exon 1 of the TET2 gene, results from a C to T substitution at nucleotide position 812. The serine at codon 271 is replaced by leucine, an amino acid with dissimilar properties. This amino acid position is conserved. In addition, the in silico prediction for this alteration is inconclusive. Based on the available evidence, the clinical significance of this variant remains unclear.

NM_001127208.3(TET2):c.812C>T (p.Ser271Leu)

Genes: TET2 (tet methylcytosine dioxygenase 2; plus strand), TET2-AS1 (TET2 antisense RNA 1; minus strand). Cytogenetic location: 4q24.
Variant type: single nucleotide variant.
Coding change: c.812C>T on transcript NM_001127208.3 (MANE Select); coding-DNA position 812, C replaced by T.
Protein change: p.Ser271Leu; replaces serine 271 with leucine.
Molecular consequence: missense variant.
Genome position (GRCh38, 1-based): chr4:105,234,754, C>T. VCF-style: chr4-105234754-C-T. GRCh37 (hg19) VCF-style: chr4-106155911-C-T.
Other names: c.812C>T, p.Ser271Leu (NM_017628.4); short protein forms S271L.
Identifiers: ClinVar variation 3967653 (VCV003967653.1).